The following is an entry in ClinVar:

NM_017882.3(CLN6):c.701T>C (p.Phe234Ser)

Gene: CLN6 (CLN6 transmembrane ER protein; minus strand). Cytogenetic location: 15q23.
Variant type: single nucleotide variant.
Coding change: c.701T>C on transcript NM_017882.3 (MANE Select); coding-DNA position 701, T replaced by C.
Protein change: p.Phe234Ser; replaces phenylalanine 234 with serine.
Molecular consequence: missense variant.
Genome position (GRCh38, 1-based): chr15:68,208,375, A>G on the plus strand (T>C on the coding strand, the complement: CLN6 is on the minus strand). VCF-style: chr15-68208375-A-G. GRCh37 (hg19) VCF-style: chr15-68500713-A-G.
Other names: short protein forms F234S.
Identifiers: ClinVar variation 1393806 (VCV001393806.7), dbSNP rs2141136125, ClinGen allele CA392972240.

ClinVar aggregate classification (germline): Uncertain significance. Review status: criteria provided, multiple submitters, no conflicts (2 of 4 stars). 2 submissions from 2 submitters: Uncertain significance (2). Last evaluated 2024-02-17.

Conditions:
Neuronal ceroid lipofuscinosis. Also called: Neuronal Ceroid Lipofuscinoses. Identifiers: Orphanet 216, Orphanet 79263, MedGen C0027877, MONDO:0016295. Disease mechanism: loss of function.

Submissions (2):

Labcorp Genetics (formerly Invitae), Labcorp
Classification: Uncertain significance for Neuronal ceroid lipofuscinosis. Last evaluated: 2024-02-17. Review status: criteria provided, single submitter. Criteria: Invitae Variant Classification Sherloc (09022015). Collection method: clinical testing. Allele origin: germline.
Comment: This sequence change replaces phenylalanine, which is neutral and non-polar, with serine, which is neutral and polar, at codon 234 of the CLN6 protein (p.Phe234Ser). This variant is not present in population databases (gnomAD no frequency). This variant has not been reported in the literature in individuals affected with CLN6-related conditions. ClinVar contains an entry for this variant (Variation ID: 1393806). Advanced modeling of protein sequence and biophysical properties (such as structural, functional, and spatial information, amino acid conservation, physicochemical variation, residue mobility, and thermodynamic stability) performed at Invitae indicates that this missense variant is not expected to disrupt CLN6 protein function with a negative predictive value of 80%. In summary, the available evidence is currently insufficient to determine the role of this variant in disease. Therefore, it has been classified as a Variant of Uncertain Significance.

Revvity Omics, Revvity
Classification: Uncertain significance. Last evaluated: 2021-10-15. Review status: criteria provided, single submitter. Criteria: ACMG Guidelines, 2015. Collection method: clinical testing. Allele origin: germline.